The following is an entry in ClinVar:

ClinVar aggregate classification (germline): Likely pathogenic (1 of 4 stars; one submission).

Conditions:
Neurofibromatosis, type 1 (NF1). Also called: VON RECKLINGHAUSEN DISEASE; NEUROFIBROMATOSIS, TYPE I, SOMATIC; Peripheral type neurofibromatosis; Neurofibromatosis, type I. Identifiers: Orphanet 636, MedGen C0027831, MONDO:0018975, OMIM 162200. Disease mechanism: loss of function.

Submission:

Institute of Human Genetics, University of Leipzig Medical Center
Classification: Likely pathogenic for Neurofibromatosis, type 1. Last evaluated: 2022-08-22. Review status: criteria provided, single submitter. Criteria: ACMG Guidelines, 2015. Collection method: clinical testing. Allele origin: unknown. Affected: yes.
Comment: _x000D_ Criteria applied: PS1, PM2_SUP, PP2, PP3

NM_001042492.3(NF1):c.3772T>A (p.Trp1258Arg)

Gene: NF1 (neurofibromin 1; plus strand). Cytogenetic location: 17q11.2.
Variant type: single nucleotide variant.
Coding change: c.3772T>A on transcript NM_001042492.3 (MANE Select); coding-DNA position 3772, T replaced by A.
Protein change: p.Trp1258Arg; replaces tryptophan 1258 with arginine.
Molecular consequence: missense variant.
Genome position (GRCh38, 1-based): chr17:31,235,674, T>A. VCF-style: chr17-31235674-T-A. GRCh37 (hg19) VCF-style: chr17-29562692-T-A.
Other names: c.3772T>A, p.Trp1258Arg (NM_000267.4); short protein forms W1258R.
Identifiers: ClinVar variation 1707518 (VCV001707518.1), dbSNP rs1597722508, ClinGen allele CA398992538.